The following is an entry in ClinVar:

NM_001394062.1(MACF1):c.17506T>G (p.Phe5836Val)

Gene: MACF1 (microtubule actin crosslinking factor 1; plus strand). Cytogenetic location: 1p34.3.
Variant type: single nucleotide variant.
Coding change: c.17506T>G on transcript NM_001394062.1 (MANE Select); coding-DNA position 17506, T replaced by G.
Protein change: p.Phe5836Val; replaces phenylalanine 5836 with valine.
Molecular consequence: missense variant.
Genome position (GRCh38, 1-based): chr1:39,433,096, T>G. VCF-style: chr1-39433096-T-G. GRCh37 (hg19) VCF-style: chr1-39898768-T-G.
Other names: c.5575T>G, p.Phe1859Val (NM_001397473.1); c.11320T>G, p.Phe3774Val (NM_012090.5); short protein forms F1859V, F3774V, F5836V.
Identifiers: ClinVar variation 1800634 (VCV001800634.1), dbSNP rs1643901473, ClinGen allele CA339803571.

ClinVar aggregate classification (germline): Uncertain significance (1 of 4 stars; one submission).

Allele frequency attached by ClinVar (database versions not stated): TOPMed below 0.00001.

Submission:

GeneDx
Classification: Uncertain significance. Last evaluated: 2022-05-19. Review status: criteria provided, single submitter. Criteria: GeneDx Variant Classification Process June 2021. Collection method: clinical testing. Allele origin: germline. Affected: yes.
Comment: Not observed at significant frequency in large population cohorts (gnomAD); In silico analysis supports that this missense variant does not alter protein structure/function; Has not been previously published as pathogenic or benign to our knowledge